The following is an entry in ClinVar:

NM_014339.7(IL17RA):c.1739G>A (p.Arg580His)

Gene: IL17RA (interleukin 17 receptor A; plus strand). Cytogenetic location: 22q11.1.
Variant type: single nucleotide variant.
Coding change: c.1739G>A on transcript NM_014339.7 (MANE Select); coding-DNA position 1739, G replaced by A.
Protein change: p.Arg580His; replaces arginine 580 with histidine.
Molecular consequence: missense variant.
Genome position (GRCh38, 1-based): chr22:17,108,958, G>A. VCF-style: chr22-17108958-G-A. GRCh37 (hg19) VCF-style: chr22-17589848-G-A.
Other names: c.1637G>A, p.Arg546His (NM_001289905.2); short protein forms R580H, R546H.
Identifiers: ClinVar variation 2171726 (VCV002171726.4), dbSNP rs17850765, ClinGen allele CA10086842.

ClinVar aggregate classification (germline): Uncertain significance (1 of 4 stars; one submission).

Conditions:
Immunodeficiency 51 (IMD51). Also called: CANDIDIASIS, FAMILIAL, 5. Identifiers: Orphanet 1334, MedGen C4310803, MONDO:0013500, OMIM 613953.

Allele frequency attached by ClinVar (database versions not stated): gnomAD exomes below 0.00001; ExAC 0.00001.
gnomAD v4.1: 2 of 1,606,734 alleles (0.00012%); highest among the groups gnomAD compares: South Asian, 0.0011%; no homozygotes.

Submission:

Labcorp Genetics (formerly Invitae), Labcorp
Classification: Uncertain significance for Immunodeficiency 51. Last evaluated: 2023-08-10. Review status: criteria provided, single submitter. Criteria: Invitae Variant Classification Sherloc (09022015). Collection method: clinical testing. Allele origin: germline.
Comment: In summary, the available evidence is currently insufficient to determine the role of this variant in disease. Therefore, it has been classified as a Variant of Uncertain Significance. Advanced modeling of protein sequence and biophysical properties (such as structural, functional, and spatial information, amino acid conservation, physicochemical variation, residue mobility, and thermodynamic stability) performed at Invitae indicates that this missense variant is not expected to disrupt IL17RA protein function. ClinVar contains an entry for this variant (Variation ID: 2171726). This variant has not been reported in the literature in individuals affected with IL17RA-related conditions. This variant is not present in population databases (gnomAD no frequency). This sequence change replaces arginine, which is basic and polar, with histidine, which is basic and polar, at codon 580 of the IL17RA protein (p.Arg580His).